The following is an entry in ClinVar:

ClinVar aggregate classification (germline): Pathogenic. Review status: reviewed by expert panel (3 of 4 stars). 2 submissions from 2 submitters: Pathogenic (1). 1 of the submissions does not count toward it. Last evaluated 2023-09-28.

Conditions:
Marfan syndrome (MFS). Also called: Marfan syndrome type 1; Marfan syndrome, classic; Marfan's syndrome; FBN1-Related Marfan Syndrome; MARFAN SYNDROME, TYPE I. Identifiers: Orphanet 284963, Orphanet 558, MedGen C0024796, MONDO:0007947, OMIM 154700.

Submissions (2):

ClinGen FBN1 Variant Curation Expert Panel, ClinGen
Classification: Pathogenic for Marfan syndrome. Last evaluated: 2023-09-28. Review status: reviewed by expert panel. Criteria: Assertion Criteria VCEP FBN1 Version 1. Collection method: curation. Allele origin: germline. Inheritance: Autosomal dominant inheritance.
Comment: The NM_000138.5 c.8051delinsTT variant in FBN1 is predicted to cause a frameshift resulting in a premature stop codon at position 2704 (p.Gly2684ValfsTer21), leading to an absent or disrupted protein product (PVS1). This variant has been reported 1 time in ClinVar as a variant of uncertain significance (Variation ID: 549451). This variant is not present in gnomAD (PM2_sup; version 2.1.1). In summary, this variant meets criteria to be classified as pathogenic for Marfan syndrome based on the ACMG/AMP criteria applied, as specified by the ClinGen FBN1 VCEP: PVS1, PM2_Supporting, PP4.

Center for Medical Genetics Ghent, University of Ghent
Classification: Uncertain significance for Marfan syndrome. Last evaluated: 2017-11-07. Review status: no assertion criteria provided. Collection method: clinical testing. Allele origin: germline. Affected: yes. Not counted in ClinVar's aggregate classification.

NC_000015.10:g.48415536delinsAA

Gene: FBN1 (fibrillin 1; minus strand). Cytogenetic location: 15q21.1.
Variant type: Indel.
Genome position: GRCh38 VCF-style: chr15-48415536-C-AA. GRCh37 (hg19) VCF-style: chr15-48707733-C-AA.
Other names: NM_000138.4(FBN1):c.8051delinsTT; p.Gly2684fs; c.8051delinsTT, p.Gly2684fs (LRG_778t1).
Identifiers: ClinVar variation 549451 (VCV000549451.2), dbSNP rs1555393824, ClinGen allele CA658824381.
Genomic context (GRCh38, chr15:48,415,536, plus strand): 5'-TACTTAATTATATTACGAATGAAAGAATCTCCAACCATGACCAGGAAGAGCACTGCTTAC[C>AA]CTTGGCCTATGCGGAAGTAACCAGGTGGACAGCCACACAGGTAACCGCCCTCGGTATTGG-3'